The following is an entry in ClinVar:

ClinVar aggregate classification (germline): Pathogenic/Likely pathogenic. Review status: criteria provided, multiple submitters, no conflicts (2 of 4 stars). 21 submissions from 20 submitters: Pathogenic (14); Likely pathogenic (4). 3 of the submissions do not count toward it. Last evaluated 2026-01-25.

Conditions:
Inherited phaeochromocytoma and paraganglioma excluding NF1.
Mitochondrial complex 2 deficiency, nuclear type 4. Also called: MITOCHONDRIAL COMPLEX II DEFICIENCY, NUCLEAR TYPE 4. Identifiers: MedGen C5543176, MONDO:0030974, OMIM 619224.
Gastrointestinal stromal tumor. Also called: Gastrointestinal stromal tumor, somatic; Gastrointestinal stroma tumor. Identifiers: Orphanet 44890, MedGen C0238198, MeSH D046152, MONDO:0011719, OMIM 606764, HP:0100723.
Carney-Stratakis syndrome. Also called: PARAGANGLIOMA AND GASTROINTESTINAL STROMAL TUMOR. Identifiers: Orphanet 97286, MedGen C1847319, MONDO:0011740, OMIM 606864.
Pheochromocytoma/paraganglioma syndrome 4. Also called: SDHB-Related Hereditary Paraganglioma-Pheochromocytoma Syndrome (Paragangliomas 4); PARAGANGLIOMA, FAMILIAL MALIGNANT; PARAGANGLIOMAS, HEREDITARY EXTRAADRENAL; PHEOCHROMOCYTOMA, FAMILIAL EXTRAADRENAL; Paragangliomas 4; CAROTID BODY TUMORS AND MULTIPLE EXTRAADRENAL PHEOCHROMOCYTOMAS. Identifiers: Orphanet 29072, MedGen C1861848, MONDO:0007273, OMIM 115310.
Pheochromocytoma. Also called: MAX-Related Hereditary Paraganglioma-Pheochromocytoma Syndrome. Identifiers: Orphanet 29072, MedGen C0031511, MONDO:0008233, OMIM 171300, HP:0002666.
Hereditary cancer-predisposing syndrome. Also called: Tumor predisposition; Hereditary neoplastic syndrome; Hereditary Cancer Syndrome; Neoplastic Syndromes, Hereditary. Identifiers: Orphanet 140162, MedGen C0027672, MeSH D009386, MONDO:0015356.
Hereditary pheochromocytoma and paraganglioma. Also called: Hereditary Paraganglioma-Pheochromocytoma Syndromes; Hereditary paragangliomas and pheochromocytomas; Hereditary pheochromocytoma-paraganglioma. Identifiers: Orphanet 29072, MedGen C4274332, MONDO:0017366.

Allele frequency attached by ClinVar (database versions not stated): TOPMed below 0.00001; gnomAD 0.00001.
gnomAD v4.1: 11 of 1,613,774 alleles (0.00068%); highest among the groups gnomAD compares: African/African-American, 0.0027%; no homozygotes.

Submissions 1 to 11 of 21:

Labcorp Genetics (formerly Invitae), Labcorp
Classification: Pathogenic for Gastrointestinal stromal tumor; Pheochromocytoma/paraganglioma syndrome 4; Pheochromocytoma. Last evaluated: 2026-01-25. Review status: criteria provided, single submitter. Criteria: Invitae Variant Classification Sherloc (09022015). Collection method: clinical testing. Allele origin: germline.
Comment: This sequence change replaces arginine, which is basic and polar, with histidine, which is basic and polar, at codon 230 of the SDHB protein (p.Arg230His). This variant is present in population databases (rs587782604, gnomAD 0.0009%). This missense change has been observed in individuals with pheochromocytomas, paragangliomas and renal cell carcinomas (PMID: 17200167, 20614293, 23083876, 24509376, 25695889, 26259135, 27539324; 20592014andinternal datadatabase). It has also been observed to segregate with disease in related individuals. ClinVar contains an entry for this variant (Variation ID: 142637). Invitae Evidence Modeling of protein sequence and biophysical properties (such as structural, functional, and spatial information, amino acid conservation, physicochemical variation, residue mobility, and thermodynamic stability) indicates that this missense variant is expected to disrupt SDHB protein function with a positive predictive value of 80%. This variant disrupts the p.Arg230 amino acid residue in SDHB. Other variant(s) that disrupt this residue have been determined to be pathogenic (PMID: 14500403, 16314641, 18382370, 19351833, 24939699, 27539324; internal data). This suggests that this residue is clinically significant, and that variants that disrupt this residue are likely to be disease-causing. For these reasons, this variant has been classified as Pathogenic.

NHS Central & South Genomic Laboratory Hub
Classification: Pathogenic for Inherited phaeochromocytoma and paraganglioma excluding NF1. Last evaluated: 2025-10-21. Review status: criteria provided, single submitter. Criteria: ACMG Guidelines, 2015. Collection method: clinical testing. Allele origin: germline. Affected: yes.

Quest Diagnostics Nichols Institute San Juan Capistrano
Classification: Pathogenic. Last evaluated: 2025-09-16. Review status: criteria provided, single submitter. Criteria: Quest Diagnostics criteria. Collection method: clinical testing. Allele origin: unknown.
Comment: The SDHB c.689G>A (p.Arg230His) variant has been reported in the published literature in multiple individuals and families with hereditary PGL-PCC (PMID: 37873498 (2023), 34906457 (2022), 34750850 (2022), 34466344 (2021), 31492822 (2020), 31666924 (2019), 31365623 (2019), 30997073 (2019), 30877234 (2019), 29909963 (2018), 28374168 (2017), 27539324 (2016), 25695889 (2015), 24509376 (2014), 20592014 (2014), 24092654 (2013), 23083876 (2012), 20208144 (2010), 19351833 (2009), 20614293 (2008), 17200167 (2007), 16912137 (2006)). It has also been reported in an individual with complex II deficiency due to biallelic SDHB mutations (PMID: 27604842 (2017)). Assessment of experimental evidence from the published literature suggests this variant results in abnormal protein function (PMID: 32859697 (2020)). The frequency of this variant in the general population (Genome Aggregation Database) is uninformative in the assessment of its pathogenicity. Analysis of this variant using bioinformatics tools for the prediction of the effect of amino acid changes on protein structure and function yielded predictions that this variant is damaging. Based on the available information, this variant is classified as pathogenic.

Center for Genomic Medicine, Rigshospitalet, Copenhagen University Hospital
Classification: Likely pathogenic. Last evaluated: 2025-03-04. Review status: criteria provided, single submitter. Criteria: ACMG Guidelines, 2015. Collection method: clinical testing. Allele origin: germline.

Molecular Pathology, Peter Maccallum Cancer Centre
Classification: Pathogenic for Pheochromocytoma/paraganglioma syndrome 4. Last evaluated: 2025-02-24. Review status: criteria provided, single submitter. Criteria: ACMG Guidelines, 2015. Collection method: clinical testing. Allele origin: germline. Inheritance: Autosomal dominant inheritance.

Department of Clinical Genetics, Copenhagen University Hospital, Rigshospitalet
Classification: Pathogenic for Mitochondrial complex 2 deficiency, nuclear type 4. Last evaluated: 2025-01-24. Review status: criteria provided, single submitter. Criteria: ACMG Guidelines, 2015. Collection method: clinical testing. Allele origin: germline.

Institute of Medical Genetics and Applied Genomics, University Hospital Tübingen
Classification: Pathogenic for Hereditary pheochromocytoma and paraganglioma. Last evaluated: 2024-08-01. Review status: criteria provided, single submitter. Criteria: ACMG Guidelines, 2015. Collection method: clinical testing. Allele origin: germline. Inheritance: Autosomal dominant inheritance. Affected: yes.

Ambry Genetics
Classification: Pathogenic for Hereditary cancer-predisposing syndrome. Last evaluated: 2024-06-24. Review status: criteria provided, single submitter. Criteria: Ambry Variant Classification Scheme 2023. Collection method: clinical testing. Allele origin: germline.
Comment: The p.R230H pathogenic mutation (also known as c.689G>A), located in coding exon 7 of the SDHB gene, results from a G to A substitution at nucleotide position 689. The arginine at codon 230 is replaced by histidine, an amino acid with highly similar properties. In one study, this mutation was detected in a Mexican kindred in two relatives with head and neck paragangliomas whose tumors demonstrated loss of SDHB protein on immunohistochemistry (Cerecer-Gil et al. Clin Cancer Res 2010 Aug 15; 16(16):4148-54). An individual diagnosed with an autosomal recessive mitochondrial disease and leukoencephalopathy was found to be a compound heterozygote for SDHB p.D48V (c.143A>T) and SDHB p.R230H (c.689G>A) (Gr&oslash;nborg S et al. JIMD Rep. 2017 Sep;33:69-77). Furthermore, p.R230H has been reported in numerous additional kindreds with hereditary paraganglioma-pheochromocytoma, sporadic paraganglioma-pheochromocytoma, and familial renal cell carcinoma (Amar et al. J Clin Oncol. 2005 Dec1; 23(34):8812-8; Said-Al-Naief et al. Head Neck Pathol. 2008 Dec;2(4): 272-8; Ricketts CJ et al. J Urol. 2012; 188:2063-71; Casc&oacute;n A et al. J Clin Endocrinol Metab. 2009; 94:1701-5; Burnichon N et al. J Clin Endocrinol Metab. 2009; 94:2817-27; Ma X et al. Front Endocrinol (Lausanne) 2020 Dec;11:574662). Two other pathogenic mutations (p.R230C and p.R230L) have also been described at this same codon. Based on available evidence, p.R230H is classified as a pathogenic mutation.

Mayo Clinic Laboratories, Mayo Clinic
Classification: Likely pathogenic. Last evaluated: 2024-03-13. Review status: criteria provided, single submitter. Criteria: ACMG Guidelines, 2015. Collection method: clinical testing. Allele origin: germline.
Comment: PP3, PP4, PM2_moderate, PM3, PS4_moderate

Myriad Genetics, Inc.
Classification: Likely pathogenic for Pheochromocytoma/paraganglioma syndrome 4. Last evaluated: 2024-02-08. Review status: criteria provided, single submitter. Criteria: Myriad Autosomal Dominant, Autosomal Recessive and X-Linked Classification Criteria (2023). Collection method: clinical testing. Allele origin: unknown.
Comment: This variant is considered likely pathogenic. This variant has been reported in multiple individuals with clinical features of gene-specific disease [PMID: 23083876, 30050099, 20592014, 19576851]. This variant is expected to disrupt protein structure [Myriad internal data].

GeneDx
Classification: Pathogenic. Last evaluated: 2023-10-11. Review status: criteria provided, single submitter. Criteria: GeneDx Variant Classification Process June 2021. Collection method: clinical testing. Allele origin: germline. Affected: yes.
Comment: Not observed at significant frequency in large population cohorts (gnomAD); In silico analysis supports that this missense variant has a deleterious effect on protein structure/function; This variant is associated with the following publications: (PMID: 16314641, 24102379, 34906457, 20592014, 20208144, 20614293, 23083876, 19454582, 18551016, 25695889, 19393419, 19258401, 16912137, 19576851, 24092654, 24509376, 17200167, 19351833, 26259135, 28374168, 29386252, 30045248, 29909963, 30050099, 30997073, 31365623, 30155846, 32581362, 32859697, 27539324, 31666924, 30877234, 32741965, 32561571, 30787465, 31492822, 36113475, 34466344, 34750850, 27604842)

NM_003000.3(SDHB):c.689G>A (p.Arg230His)

Gene: SDHB (succinate dehydrogenase complex iron sulfur subunit B; minus strand). Cytogenetic location: 1p36.13.
Variant type: single nucleotide variant.
Coding change: c.689G>A on transcript NM_003000.3 (MANE Select); coding-DNA position 689, G replaced by A.
Protein change: p.Arg230His; replaces arginine 230 with histidine.
Molecular consequence: missense variant.
Genome position (GRCh38, 1-based): chr1:17,022,684, C>T on the plus strand (G>A on the coding strand, the complement: SDHB is on the minus strand). VCF-style: chr1-17022684-C-T. GRCh37 (hg19) VCF-style: chr1-17349179-C-T.
Other names: p.R230H:CGC>CAC; p.Arg230His; short protein forms R230H.
Identifiers: ClinVar variation 142637 (VCV000142637.70), dbSNP rs587782604, ClinGen allele CA016085.